The following is an entry in ClinVar:

NM_003719.5(PDE8B):c.710G>A (p.Arg237Lys)

Gene: PDE8B (phosphodiesterase 8B; plus strand). Cytogenetic location: 5q13.3.
Variant type: single nucleotide variant.
Coding change: c.710G>A on transcript NM_003719.5 (MANE Select); coding-DNA position 710, G replaced by A.
Protein change: p.Arg237Lys; replaces arginine 237 with lysine.
Molecular consequence: missense variant.
Genome position (GRCh38, 1-based): chr5:77,337,228, G>A. VCF-style: chr5-77337228-G-A. GRCh37 (hg19) VCF-style: chr5-76633053-G-A.
Other names: c.710G>A (NM_003719.3); c.470G>A, p.Arg157Lys (NM_001349750.3); c.707G>A, p.Arg236Lys (NM_001349751.3, NM_001376065.1, NM_001349748.3); c.404G>A, p.Arg135Lys (NM_001349752.3, NM_001376071.1); c.338G>A, p.Arg113Lys (NM_001349753.2, NM_001376067.1, NM_001376068.1 and 3 more transcripts); c.407G>A, p.Arg136Lys (NM_001376062.1, NM_001376070.1, NM_001376072.1 and 1 more transcripts); c.710G>A, p.Arg237Lys (NM_001376063.1, NM_001376064.1, NM_001029851.4 and 2 more transcripts); c.347G>A, p.Arg116Lys (NM_001376066.1, NM_001376074.1); and 3 more; short protein forms R113K, R135K, R157K, R116K, R217K, R236K, R136K, R237K.
Identifiers: ClinVar variation 3665296 (VCV003665296.3).

ClinVar aggregate classification (germline): Uncertain significance. Review status: criteria provided, multiple submitters, no conflicts (2 of 4 stars). 2 submissions from 2 submitters: Uncertain significance (2). Last evaluated 2025-05-07.

Conditions:
Inborn genetic diseases. Identifiers: MedGen C0950123, MeSH D030342.

gnomAD v4.1: 25 of 1,540,232 alleles (0.0016%); highest among the groups gnomAD compares: Non-Finnish European, 0.002%; no homozygotes.

Submissions (2):

Ambry Genetics
Classification: Uncertain significance for Inborn genetic diseases. Last evaluated: 2025-05-07. Review status: criteria provided, single submitter. Criteria: Ambry Variant Classification Scheme 2023. Collection method: clinical testing. Allele origin: germline.

Labcorp Genetics (formerly Invitae), Labcorp
Classification: Uncertain significance. Last evaluated: 2024-10-02. Review status: criteria provided, single submitter. Criteria: Invitae Variant Classification Sherloc (09022015). Collection method: clinical testing. Allele origin: germline.
Comment: This sequence change replaces arginine, which is basic and polar, with lysine, which is basic and polar, at codon 237 of the PDE8B protein (p.Arg237Lys). The frequency data for this variant in the population databases is considered unreliable, as metrics indicate poor data quality at this position in the gnomAD database. This variant has not been reported in the literature in individuals affected with PDE8B-related conditions. An algorithm developed to predict the effect of missense changes on protein structure and function (PolyPhen-2) suggests that this variant is likely to be tolerated. In summary, the available evidence is currently insufficient to determine the role of this variant in disease. Therefore, it has been classified as a Variant of Uncertain Significance.